The following is an entry in ClinVar:

NM_004273.5(CHST3):c.362dup (p.Glu122fs)

Gene: CHST3 (carbohydrate sulfotransferase 3; plus strand). Cytogenetic location: 10q22.1.
Variant type: Duplication.
Coding change: c.362dup on transcript NM_004273.5 (MANE Select); coding-DNA position 362, one base duplicated (A; older notation c.362dupA).
Protein change: p.Glu122fs; shifts the reading frame from glutamic acid 122.
Molecular consequence: frameshift variant.
Genome position (GRCh38, 1-based): chr10:72,007,393, A duplicated. VCF-style (leftmost placement, unchanged base first): chr10-72007392-G-GA. GRCh37 (hg19) VCF-style: chr10-73767150-G-GA.
Other names: short protein forms E122fs.
Identifiers: ClinVar variation 1406206 (VCV001406206.6), dbSNP rs1840050989, ClinGen allele CA929815387.

ClinVar aggregate classification (germline): Pathogenic (1 of 4 stars; one submission).

Conditions:
Spondyloepiphyseal dysplasia with congenital joint dislocations (SEDCJD). Also called: Chondrodysplasia with Congenital Joint Dislocations, CHST3-Related. Identifiers: Orphanet 263463, MedGen C1837657, MONDO:0007738, OMIM 143095.

Allele frequency attached by ClinVar (database versions not stated): gnomAD 0.00001.

Submission:

Labcorp Genetics (formerly Invitae), Labcorp
Classification: Pathogenic for Spondyloepiphyseal dysplasia with congenital joint dislocations. Last evaluated: 2022-06-27. Review status: criteria provided, single submitter. Criteria: Invitae Variant Classification Sherloc (09022015). Collection method: clinical testing. Allele origin: germline.
Comment: This sequence change creates a premature translational stop signal (p.Glu122Glyfs*198) in the CHST3 gene. While this is not anticipated to result in nonsense mediated decay, it is expected to disrupt the last 358 amino acid(s) of the CHST3 protein. This variant is not present in population databases (gnomAD no frequency). This premature translational stop signal has been observed in individual(s) with clinical features of spondyloepiphyseal dysplasia (Invitae). This variant disrupts a region of the CHST3 protein in which other variant(s) (p.Glu268*) have been determined to be pathogenic (PMID: 26572954). This suggests that this is a clinically significant region of the protein, and that variants that disrupt it are likely to be disease-causing. For these reasons, this variant has been classified as Pathogenic.

Literature cited by the submitters: PubMed 26572954.